The following is an entry in ClinVar:

NC_000001.11:g.230703274G>A

Gene: AGT (angiotensinogen; minus strand). Cytogenetic location: 1q42.2.
Variant type: single nucleotide variant.
Genome position: GRCh38 VCF-style: chr1-230703274-G-A. GRCh37 (hg19) VCF-style: chr1-230839020-G-A.
Other names: NM_000029.3:c.1325C>T; c.1298C>T (NM_001384479.1).
Identifiers: ClinVar variation 296073 (VCV000296073.17), dbSNP rs61751077, ClinGen allele CA1448051.

ClinVar aggregate classification (germline): Likely benign. Review status: criteria provided, multiple submitters, no conflicts (2 of 4 stars). 4 submissions from 4 submitters: Likely benign (3). 1 of the submissions does not count toward it. Last evaluated 2026-01-19.

Conditions:
Essential hypertension, genetic (EHT). Identifiers: MedGen CN305331, MONDO:0007781, OMIM 145500.
Renal tubular dysgenesis of genetic origin. Also called: PRIMITIVE RENAL TUBULE SYNDROME. Identifiers: Orphanet 97369, MedGen C5681536, MONDO:0009970, OMIM 267430.
AGT-related disorder. Also called: AGT-related condition.
Renal tubular dysgenesis. Also called: Renotubular dysgenesis. Identifiers: Orphanet 3033, MedGen C0266313, MONDO:0017609, HP:0008660.

Allele frequency attached by ClinVar (database versions not stated): gnomAD exomes 0.00012 and 0.00035; ExAC 0.00047; gnomAD 0.00130 and 0.00138; ESP Exome Variant Server 0.00138; TOPMed 0.00143; 1000 Genomes Project 30x 0.00172; 1000 Genomes Project 0.00180.
gnomAD v4.1: 372 of 1,614,208 alleles (0.023%); highest among the groups gnomAD compares: African/African-American, 0.44%; 1 homozygote.

Submissions (4):

Labcorp Genetics (formerly Invitae), Labcorp
Classification: Likely benign. Last evaluated: 2026-01-19. Review status: criteria provided, single submitter. Criteria: Invitae Variant Classification Sherloc (09022015). Collection method: clinical testing. Allele origin: germline.

Fulgent Genetics
Classification: Likely benign for Essential hypertension, genetic; Renal tubular dysgenesis of genetic origin. Last evaluated: 2021-10-07. Review status: criteria provided, single submitter. Criteria: ACMG Guidelines, 2015. Collection method: clinical testing. Allele origin: unknown.

Illumina Laboratory Services, Illumina
Classification: Likely benign for Renal tubular dysgenesis of genetic origin. Last evaluated: 2018-01-13. Review status: criteria provided, single submitter. Criteria: ICSL Variant Classification Criteria 13 December 2019. Collection method: clinical testing. Allele origin: germline.
Comment: This variant was observed in the ICSL laboratory as part of a predisposition screen in an ostensibly healthy population. It had not been previously curated by ICSL or reported in the Human Gene Mutation Database (HGMD: prior to June 1st, 2018), and was therefore a candidate for classification through an automated scoring system. Utilizing variant allele frequency, disease prevalence and penetrance estimates, and inheritance mode, an automated score was calculated to assess if this variant is too frequent to cause the disease. Based on the score and internal cut-off values, a variant classified as likely benign is not then subjected to further curation. The score for this variant resulted in a classification of likely benign for this disease.

PreventionGenetics, part of Exact Sciences
Classification: Likely benign for AGT-related condition. Last evaluated: 2020-10-13. Review status: no assertion criteria provided. Collection method: clinical testing. Allele origin: germline. Not counted in ClinVar's aggregate classification.
Comment: This variant is classified as likely benign based on ACMG/AMP sequence variant interpretation guidelines (Richards et al. 2015 PMID: 25741868, with internal and published modifications).